The following is an entry in ClinVar:

ClinVar aggregate classification (germline): Conflicting classifications of pathogenicity. Review status: criteria provided, conflicting classifications (1 of 4 stars). 10 submissions from 10 submitters: Uncertain significance (4); Likely benign (5). 1 of the submissions does not count toward it. Last evaluated 2026-06-01.

Conditions:
CRTAP-related disorder. Also called: CRTAP-related condition.
Osteogenesis imperfecta type 7 (OI7). Also called: OI type 7; OI type VII; OSTEOGENESIS IMPERFECTA, TYPE IIB; Osteogenesis imperfecta type 2B; OI type 2B; Osteogenesis imperfecta, perinatal lethal autosomal recessive. Identifiers: MedGen C1853162, MONDO:0012536, OMIM 610682.
Osteogenesis imperfecta (OI). Identifiers: Orphanet 666, MedGen C0029434, MeSH D010013, MONDO:0019019.

Allele frequency attached by ClinVar (database versions not stated): ExAC 0.00180; gnomAD exomes 0.00201 and 0.00313; TOPMed 0.00227; gnomAD 0.00247 and 0.00250; ESP Exome Variant Server 0.00277; 1000 Genomes Project 0.00280; 1000 Genomes Project 30x 0.00312.
gnomAD v4.1: 4,933 of 1,614,124 alleles (0.31%); highest among the groups gnomAD compares: Admixed American, 0.42%; 10 homozygotes.

Submissions (10):

CeGaT Center for Human Genetics Tuebingen
Classification: Likely benign. Last evaluated: 2026-06-01. Review status: criteria provided, single submitter. Criteria: CeGaT Center For Human Genetics Tuebingen Variant Classification Criteria Version 2. Collection method: clinical testing. Allele origin: germline. Affected: yes. Observed: 4 variant alleles.
Comment: CRTAP: BP4

Labcorp Genetics (formerly Invitae), Labcorp
Classification: Likely benign for Osteogenesis imperfecta type 7. Last evaluated: 2026-02-04. Review status: criteria provided, single submitter. Criteria: Invitae Variant Classification Sherloc (09022015). Collection method: clinical testing. Allele origin: germline.

GeneDx
Classification: Uncertain significance. Last evaluated: 2025-11-19. Review status: criteria provided, single submitter. Criteria: GeneDx Variant Classification Process June 2021. Collection method: clinical testing. Allele origin: germline. Affected: yes.
Comment: Reported in an individual with osteogenesis imperfecta who also has a pathogenic variant in the COL1A1 gene (PMID: 32169308); Identified in a patient with osteoporosis and relatives with osteopenia or osteoporosis (PMID: 35313637); In silico analysis supports that this missense variant has a deleterious effect on protein structure/function; This variant is associated with the following publications: (PMID: 32169308, 35313637, 30389107, 33469725)

Blueprint Genetics
Classification: Likely benign. Last evaluated: 2024-11-23. Review status: criteria provided, single submitter. Criteria: ACMG Guidelines, 2015. Collection method: clinical testing. Allele origin: germline.

ARUP Laboratories, Molecular Genetics and Genomics, ARUP Laboratories
Classification: Uncertain significance for Osteogenesis imperfecta type 7. Last evaluated: 2023-06-28. Review status: criteria provided, single submitter. Criteria: ARUP Molecular Germline Variant Investigation Process 2024. Collection method: clinical testing. Allele origin: germline.
Comment: The CRTAP c.1039C>T; p.Leu347Phe variant (rs115198029), to our knowledge, is not reported in the medical literature; however, this variant is listed in the ClinVar database (Variation ID: 439559). This variant is found in the general population with an overall allele frequency of 0.20% (562/282,886 alleles, including a single homozygote) in the Genome Aggregation Database. The leucine at codon 347 is highly conserved, but computational analyses are uncertain whether this variant is neutral or deleterious (REVEL: 0.354). Based on the available information, the clinical significance of this variant is uncertain.

Mayo Clinic Laboratories, Mayo Clinic
Classification: Uncertain significance. Last evaluated: 2023-05-25. Review status: criteria provided, single submitter. Criteria: ACMG Guidelines, 2015. Collection method: clinical testing. Allele origin: germline. Observed: 1 variant allele.
Comment: BS1

Genome Diagnostics Laboratory, The Hospital for Sick Children
Classification: Likely benign for Osteogenesis imperfecta. Last evaluated: 2022-02-18. Review status: criteria provided, single submitter. Criteria: ACMG Guidelines, 2015. Collection method: clinical testing. Allele origin: germline.

Illumina Laboratory Services, Illumina
Classification: Uncertain significance for Osteogenesis imperfecta type 7. Last evaluated: 2018-01-12. Review status: criteria provided, single submitter. Criteria: ICSL Variant Classification Criteria 13 December 2019. Collection method: clinical testing. Allele origin: germline.

Eurofins Ntd Llc (ga)
Classification: Likely benign. Last evaluated: 2017-06-20. Review status: criteria provided, single submitter. Criteria: EGL Classification Definitions 2015. Collection method: clinical testing. Allele origin: germline. Observed: 1 variant allele, 1 heterozygote.

PreventionGenetics, part of Exact Sciences
Classification: Likely benign for CRTAP-related condition. Last evaluated: 2022-06-29. Review status: no assertion criteria provided. Collection method: clinical testing. Allele origin: germline. Not counted in ClinVar's aggregate classification.
Comment: This variant is classified as likely benign based on ACMG/AMP sequence variant interpretation guidelines (Richards et al. 2015 PMID: 25741868, with internal and published modifications).

Literature cited by the submitters: PubMed 32169308 (cited by Mayo Clinic Laboratories, Mayo Clinic); PubMed 35313637 (cited by Mayo Clinic Laboratories, Mayo Clinic).

NM_006371.5(CRTAP):c.1039C>T (p.Leu347Phe)

Gene: CRTAP (cartilage associated protein; plus strand). Cytogenetic location: 3p22.3.
Variant type: single nucleotide variant.
Coding change: c.1039C>T on transcript NM_006371.5 (MANE Select); coding-DNA position 1039, C replaced by T.
Protein change: p.Leu347Phe; replaces leucine 347 with phenylalanine.
Molecular consequence: missense variant.
Genome position (GRCh38, 1-based): chr3:33,132,671, C>T. VCF-style: chr3-33132671-C-T. GRCh37 (hg19) VCF-style: chr3-33174163-C-T.
Other names: p.Leu347Phe; c.1039C>T, p.Leu347Phe (NM_001393363.1); c.910C>T, p.Leu304Phe (NM_001393364.1); c.889C>T, p.Leu297Phe (NM_001393365.1); short protein forms L347F, L297F, L304F.
Identifiers: ClinVar variation 439559 (VCV000439559.55), dbSNP rs115198029, ClinGen allele CA2300475.